The following is an entry in ClinVar:

ClinVar aggregate classification (germline): Uncertain significance (1 of 4 stars; one submission).

Submission:

Ambry Genetics
Classification: Uncertain significance. Last evaluated: 2021-07-31. Review status: criteria provided, single submitter. Criteria: Ambry Variant Classification Scheme 2023. Collection method: clinical testing. Allele origin: germline.
Comment: The p.D367G variant (also known as c.1100A>G), located in coding exon 3 of the TERF2IP gene, results from an A to G substitution at nucleotide position 1100. The aspartic acid at codon 367 is replaced by glycine, an amino acid with similar properties. This amino acid position is conserved. In addition, this alteration is predicted to be deleterious by in silico analysis. Since supporting evidence is limited at this time, the clinical significance of this alteration remains unclear.

NM_018975.4(TERF2IP):c.1100A>G (p.Asp367Gly)

Gene: TERF2IP (TERF2 interacting protein; plus strand). Cytogenetic location: 16q23.1.
Variant type: single nucleotide variant.
Coding change: c.1100A>G on transcript NM_018975.4 (MANE Select); coding-DNA position 1100, A replaced by G.
Protein change: p.Asp367Gly; replaces aspartic acid 367 with glycine.
Molecular consequence: missense variant. On other transcripts: non-coding transcript variant (1).
Genome position (GRCh38, 1-based): chr16:75,656,511, A>G. VCF-style: chr16-75656511-A-G. GRCh37 (hg19) VCF-style: chr16-75690409-A-G.
Other names: short protein forms D367G.
Identifiers: ClinVar variation 1792252 (VCV001792252.2), dbSNP rs145536825, ClinGen allele CA396820261.
Genomic context (GRCh38, chr16:75,656,511, plus strand): 5'-CCGCCTTCTTAGCGTCTGGTCAGAGAGCTGATGGATATCCCATTTGGTCCCGACAAGATG[A>G]CATAGATTTGCAAAAAGATGATGAGGATACCAGAGAGGCATTGGTCAAAAAATTTGGTGC-3'
Protein context (NP_061848.2, residues 357-377): DGYPIWSRQD[Asp367Gly]IDLQKDDEDT